The following is an entry in ClinVar:

NM_152415.3(VPS37A):c.315T>G (p.Asn105Lys)

Gene: VPS37A (VPS37A subunit of ESCRT-I; plus strand). Cytogenetic location: 8p22.
Variant type: single nucleotide variant.
Coding change: c.315T>G on transcript NM_152415.3 (MANE Select); coding-DNA position 315, T replaced by G.
Protein change: p.Asn105Lys; replaces asparagine 105 with lysine.
Molecular consequence: missense variant.
Genome position (GRCh38, 1-based): chr8:17,268,372, T>G. VCF-style: chr8-17268372-T-G. GRCh37 (hg19) VCF-style: chr8-17125881-T-G.
Other names: c.240T>G, p.Asn80Lys (NM_001145152.2); c.315T>G, p.Asn105Lys (NM_001363167.1, NM_001363173.2); c.45T>G, p.Asn15Lys (NM_001363168.1, NM_001363169.1, NM_001363170.1 and 2 more transcripts); short protein forms N105K, N15K, N80K.
Identifiers: ClinVar variation 4797062 (VCV004797062.1).

ClinVar aggregate classification (germline): Uncertain significance (1 of 4 stars; one submission).

Conditions:
Hereditary spastic paraplegia 53. Also called: Spastic paraplegia 53, autosomal recessive. Identifiers: Orphanet 319199, MedGen C3539494, MONDO:0013962, OMIM 614898.

gnomAD v4.1: 6 of 1,571,944 alleles (0.00038%); highest among the groups gnomAD compares: South Asian, 0.0011%; no homozygotes.

Submission:

Labcorp Genetics (formerly Invitae), Labcorp
Classification: Uncertain significance for Hereditary spastic paraplegia 53. Last evaluated: 2025-11-15. Review status: criteria provided, single submitter. Criteria: Invitae Variant Classification Sherloc (09022015). Collection method: clinical testing. Allele origin: germline.
Comment: This sequence change replaces asparagine, which is neutral and polar, with lysine, which is basic and polar, at codon 105 of the VPS37A protein (p.Asn105Lys). This variant is present in population databases (rs376962773, gnomAD 0.003%). This variant has not been reported in the literature in individuals affected with VPS37A-related conditions. An algorithm developed to predict the effect of missense changes on protein structure and function (PolyPhen-2) suggests that this variant is likely to be disruptive. In summary, the available evidence is currently insufficient to determine the role of this variant in disease. Therefore, it has been classified as a Variant of Uncertain Significance.